The following is an entry in ClinVar:

NM_000179.3(MSH6):c.2851_2858del (p.Leu951fs)

Gene: MSH6 (mutS homolog 6; plus strand). Cytogenetic location: 2p16.3.
Variant type: Deletion.
Coding change: c.2851_2858del on transcript NM_000179.3 (MANE Select); coding-DNA positions 2851 to 2858, 8 bases deleted (CTCCTGGA; older notation c.2851_2858delCTCCTGGA).
Protein change: p.Leu951fs; shifts the reading frame from leucine 951.
Molecular consequence: frameshift variant.
Genome position (GRCh38, 1-based): chr2:47,800,834-47,800,841, CTCCTGGA deleted. VCF-style (leftmost placement, unchanged base first): chr2-47800833-CCTCCTGGA-C. GRCh37 (hg19) VCF-style: chr2-48027972-CCTCCTGGA-C.
Other names: c.2461_2468del, p.Leu821fs (NM_001281492.2); c.1945_1952del, p.Leu649fs (NM_001281493.2, NM_001281494.2); c.2851_2858delCTCCTGGA (NM_000179.2); short protein forms L821fs, L649fs.
Identifiers: ClinVar variation 89320 (VCV000089320.9), dbSNP rs63750940, ClinGen allele CA010999.

ClinVar aggregate classification (germline): Pathogenic. Review status: reviewed by expert panel (3 of 4 stars). 6 submissions from 6 submitters: Pathogenic (1). 5 of the submissions do not count toward it. Last evaluated 2013-09-05.

Conditions:
Hereditary cancer-predisposing syndrome. Also called: Tumor predisposition; Hereditary Cancer Syndrome; Hereditary neoplastic syndrome; Neoplastic Syndromes, Hereditary. Identifiers: Orphanet 140162, MedGen C0027672, MeSH D009386, MONDO:0015356.
Lynch syndrome. Identifiers: Orphanet 144, MedGen C4552100, MONDO:0005835. Disease mechanism: loss of function.
Lynch syndrome 5 (LYNCH5). Also called: Colorectal cancer, hereditary nonpolyposis, type 5; Hereditary non-polyposis colorectal cancer, type 5. Identifiers: Orphanet 144, MedGen C1833477, MONDO:0013710, OMIM 614350. Disease mechanism: loss of function.
Hereditary nonpolyposis colorectal neoplasms. Identifiers: MedGen C0009405, MeSH D003123.

Allele frequency attached by ClinVar (database versions not stated): gnomAD exomes below 0.00001.

Submissions (6):

International Society for Gastrointestinal Hereditary Tumours (InSiGHT)
Classification: Pathogenic for Lynch Syndrome. Last evaluated: 2013-09-05. Review status: reviewed by expert panel. Criteria: Guidelines v1.9. Collection method: research. Allele origin: germline.
Comment: Coding sequence variation resulting in a stop codon

Classified with v1.9 guidelines

Ambry Genetics
Classification: Pathogenic for Hereditary cancer-predisposing syndrome. Last evaluated: 2024-07-19. Review status: criteria provided, single submitter. Criteria: Ambry Variant Classification Scheme 2023. Collection method: clinical testing. Allele origin: germline. Not counted in ClinVar's aggregate classification.
Comment: The c.2851_2858delCTCCTGGA pathogenic mutation, located in coding exon 4 of the MSH6 gene, results from a deletion of 8 nucleotides at nucleotide positions 2851 to 2858, causing a translational frameshift with a predicted alternate stop codon (p.L951Ifs*12). This variant has been detected in multiple probands meeting Amsterdam criteria whose Lynch syndrome-associated tumors demonstrated absent MSH6 by immunohistochemistry (IHC) (Lagerstedt Robinson K et al. J Natl Cancer Inst, 2007 Feb;99:291-9; Ambry internal data). This variant is considered to be rare based on population cohorts in the Genome Aggregation Database (gnomAD). In addition to the clinical data presented in the literature, this alteration is expected to result in loss of function by premature protein truncation or nonsense-mediated mRNA decay. As such, this alteration is interpreted as a disease-causing mutation.

Labcorp Genetics (formerly Invitae), Labcorp
Classification: Pathogenic for Hereditary nonpolyposis colorectal neoplasms. Last evaluated: 2023-12-22. Review status: criteria provided, single submitter. Criteria: Invitae Variant Classification Sherloc (09022015). Collection method: clinical testing. Allele origin: germline. Not counted in ClinVar's aggregate classification.
Comment: This sequence change creates a premature translational stop signal (p.Leu951Ilefs*12) in the MSH6 gene. It is expected to result in an absent or disrupted protein product. Loss-of-function variants in MSH6 are known to be pathogenic (PMID: 18269114, 24362816). This variant is not present in population databases (gnomAD no frequency). This premature translational stop signal has been observed in individual(s) with clinical features of Lynch syndrome (PMID: 17312306). ClinVar contains an entry for this variant (Variation ID: 89320). For these reasons, this variant has been classified as Pathogenic.

Myriad Genetics, Inc.
Classification: Pathogenic for Lynch syndrome 5. Last evaluated: 2023-07-18. Review status: criteria provided, single submitter. Criteria: Myriad Autosomal Dominant, Autosomal Recessive and X-Linked Classification Criteria (2023). Collection method: clinical testing. Allele origin: unknown. Not counted in ClinVar's aggregate classification.
Comment: This variant is considered pathogenic. This variant creates a frameshift predicted to result in premature protein truncation.

Clinical Genetics Laboratory, Skane University Hospital Lund
Classification: Pathogenic. Last evaluated: 2023-06-26. Review status: criteria provided, single submitter. Criteria: ACMG Guidelines, 2015. Collection method: clinical testing. Allele origin: germline. Affected: yes. Not counted in ClinVar's aggregate classification.

Clinical Genetics and Genomics, Karolinska University Hospital
Classification: Pathogenic. Last evaluated: 2017-10-09. Review status: criteria provided, single submitter. Criteria: ACMG Guidelines, 2015. Collection method: clinical testing. Allele origin: germline. Affected: yes. Observed: 3 variant alleles. Not counted in ClinVar's aggregate classification.

Literature cited by the submitters: PubMed 17312306 (cited by Ambry Genetics and Labcorp Genetics (formerly Invitae), Labcorp); PubMed 18269114 (cited by Labcorp Genetics (formerly Invitae), Labcorp); PubMed 24362816 (cited by Labcorp Genetics (formerly Invitae), Labcorp).